The following is an entry in ClinVar:

ClinVar aggregate classification (germline): Uncertain significance. Review status: criteria provided, multiple submitters, no conflicts (2 of 4 stars). 2 submissions from 2 submitters: Uncertain significance (2). Last evaluated 2025-04-21.

Conditions:
Inborn genetic diseases. Identifiers: MedGen C0950123, MeSH D030342.
Combined immunodeficiency due to LRBA deficiency. Also called: Common variable immunodeficiency 8, with autoimmunity. Identifiers: Orphanet 445018, MedGen C3553512, MONDO:0013863, OMIM 614700.

Allele frequency attached by ClinVar (database versions not stated): ExAC 0.00001; gnomAD exomes 0.00001 and 0.00002; TOPMed 0.00003; gnomAD 0.00004.
gnomAD v4.1: 39 of 1,614,026 alleles (0.0024%); highest among the groups gnomAD compares: Non-Finnish European, 0.0032%; no homozygotes.

Submissions (2):

Ambry Genetics
Classification: Uncertain significance for Inborn genetic diseases. Last evaluated: 2025-04-21. Review status: criteria provided, single submitter. Criteria: Ambry Variant Classification Scheme 2023. Collection method: clinical testing. Allele origin: germline.

Labcorp Genetics (formerly Invitae), Labcorp
Classification: Uncertain significance for Combined immunodeficiency due to LRBA deficiency. Last evaluated: 2020-09-09. Review status: criteria provided, single submitter. Criteria: Invitae Variant Classification Sherloc (09022015). Collection method: clinical testing. Allele origin: germline.
Comment: This sequence change replaces isoleucine with phenylalanine at codon 1241 of the LRBA protein (p.Ile1241Phe). The isoleucine residue is weakly conserved and there is a small physicochemical difference between isoleucine and phenylalanine. This variant is present in population databases (rs149689496, ExAC 0.001%). This variant has not been reported in the literature in individuals with LRBA-related disease. Algorithms developed to predict the effect of missense changes on protein structure and function do not agree on the potential impact of this missense change (SIFT: "Deleterious"; PolyPhen-2: "Probably Damaging"; Align-GVGD: "Class C0"). In summary, the available evidence is currently insufficient to determine the role of this variant in disease. Therefore, it has been classified as a Variant of Uncertain Significance.

NM_001364905.1(LRBA):c.3721A>T (p.Ile1241Phe)

Gene: LRBA (LPS responsive beige-like anchor protein; minus strand). Cytogenetic location: 4q31.3.
Variant type: single nucleotide variant.
Coding change: c.3721A>T on transcript NM_001364905.1 (MANE Select); coding-DNA position 3721, A replaced by T.
Protein change: p.Ile1241Phe; replaces isoleucine 1241 with phenylalanine.
Molecular consequence: missense variant.
Genome position (GRCh38, 1-based): chr4:150,851,989, T>A on the plus strand (A>T on the coding strand, the complement: LRBA is on the minus strand). VCF-style: chr4-150851989-T-A. GRCh37 (hg19) VCF-style: chr4-151773141-T-A.
Other names: c.3721A>T, p.Ile1241Phe (NM_001199282.3, NM_001367550.1, NM_006726.5); short protein forms I1241F.
Identifiers: ClinVar variation 566180 (VCV000566180.7), dbSNP rs149689496, ClinGen allele CA3103002.